The following is an entry in ClinVar:

ClinVar aggregate classification (germline): Uncertain significance (1 of 4 stars; one submission).

Conditions:
Hereditary sensory neuropathy-deafness-dementia syndrome. Also called: Hereditary sensory neuropathy type IE; NEUROPATHY, HEREDITARY SENSORY, WITH HEARING LOSS AND DEMENTIA; Hereditary Sensory and Autonomic Neuropathy Type 1E (HSAN1E); HSN IE. Identifiers: Orphanet 456318, MedGen C3279885, MONDO:0013584, OMIM 614116.

Submission:

Labcorp Genetics (formerly Invitae), Labcorp
Classification: Uncertain significance for Hereditary sensory neuropathy-deafness-dementia syndrome. Last evaluated: 2022-12-04. Review status: criteria provided, single submitter. Criteria: Invitae Variant Classification Sherloc (09022015). Collection method: clinical testing. Allele origin: germline.
Comment: This sequence change replaces asparagine, which is neutral and polar, with aspartic acid, which is acidic and polar, at codon 324 of the DNMT1 protein (p.Asn324Asp). In summary, the available evidence is currently insufficient to determine the role of this variant in disease. Therefore, it has been classified as a Variant of Uncertain Significance. Advanced modeling of protein sequence and biophysical properties (such as structural, functional, and spatial information, amino acid conservation, physicochemical variation, residue mobility, and thermodynamic stability) performed at Invitae indicates that this missense variant is not expected to disrupt DNMT1 protein function. This variant has not been reported in the literature in individuals affected with DNMT1-related conditions. This variant is not present in population databases (gnomAD no frequency).

NM_001130823.3(DNMT1):c.970A>G (p.Asn324Asp)

Gene: DNMT1 (DNA methyltransferase 1; minus strand). Cytogenetic location: 19p13.2.
Variant type: single nucleotide variant.
Coding change: c.970A>G on transcript NM_001130823.3 (MANE Select); coding-DNA position 970, A replaced by G.
Protein change: p.Asn324Asp; replaces asparagine 324 with aspartic acid.
Molecular consequence: missense variant.
Genome position (GRCh38, 1-based): chr19:10,162,705, T>C on the plus strand (A>G on the coding strand, the complement: DNMT1 is on the minus strand). VCF-style: chr19-10162705-T-C. GRCh37 (hg19) VCF-style: chr19-10273381-T-C.
Other names: c.922A>G, p.Asn308Asp (NM_001318730.2, NM_001379.4); c.607A>G, p.Asn203Asp (NM_001318731.2); short protein forms N203D, N308D, N324D.
Identifiers: ClinVar variation 2814074 (VCV002814074.3), dbSNP rs2513844743, ClinGen allele CA403940733.
Genomic context (GRCh38, chr19:10,162,705, plus strand): 5'-GAAAGAAAAGTGAGACCTTTACCTTTTCATCCTCGTCTTTTTCATCAGAAATCTGTGGAT[T>C]TACTTTTTCAGGTTCTTTTTCTTCGGGCCTCCGTTTGGCAGCTCTGCAGGGTGAACAGAT-3'
Protein context (NP_001124295.1, residues 314-334): RPEEKEPEKV[Asn324Asp]PQISDEKDED